The following is an entry in ClinVar:

ClinVar aggregate classification (germline): Uncertain significance (1 of 4 stars; one submission).

Conditions:
Sphingolipid activator protein 1 deficiency. Also called: METACHROMATIC LEUKODYSTROPHY DUE TO CEREBROSIDE SULFATASE ACTIVATOR DEFICIENCY; Metachromatic leukodystrophy due to saposin B deficiency; Saposin B Deficiency. Identifiers: Orphanet 512, MedGen C0268262, MONDO:0009590, OMIM 249900.

Allele frequency attached by ClinVar (database versions not stated): gnomAD exomes 0.00001; TOPMed 0.00001.
gnomAD v4.1: 17 of 1,614,140 alleles (0.0011%); highest among the groups gnomAD compares: Admixed American, 0.0017%; no homozygotes.

Submission:

Labcorp Genetics (formerly Invitae), Labcorp
Classification: Uncertain significance for Sphingolipid activator protein 1 deficiency. Last evaluated: 2021-12-30. Review status: criteria provided, single submitter. Criteria: Invitae Variant Classification Sherloc (09022015). Collection method: clinical testing. Allele origin: germline.
Comment: This sequence change replaces glutamic acid, which is acidic and polar, with lysine, which is basic and polar, at codon 147 of the PSAP protein (p.Glu147Lys). This variant is present in population databases (no rsID available, gnomAD no frequency). This variant has not been reported in the literature in individuals affected with PSAP-related conditions. Algorithms developed to predict the effect of missense changes on protein structure and function are either unavailable or do not agree on the potential impact of this missense change (SIFT: "Not Available"; PolyPhen-2: "Benign"; Align-GVGD: "Not Available"). In summary, the available evidence is currently insufficient to determine the role of this variant in disease. Therefore, it has been classified as a Variant of Uncertain Significance.

NM_002778.4(PSAP):c.439G>A (p.Glu147Lys)

Gene: PSAP (prosaposin; minus strand). Cytogenetic location: 10q22.1.
Variant type: single nucleotide variant.
Coding change: c.439G>A on transcript NM_002778.4 (MANE Select); coding-DNA position 439, G replaced by A.
Protein change: p.Glu147Lys; replaces glutamic acid 147 with lysine.
Molecular consequence: missense variant.
Genome position (GRCh38, 1-based): chr10:71,829,014, C>T on the plus strand (G>A on the coding strand, the complement: PSAP is on the minus strand). VCF-style: chr10-71829014-C-T. GRCh37 (hg19) VCF-style: chr10-73588771-C-T.
Other names: c.439G>A, p.Glu147Lys (NM_001042465.3, NM_001042466.3); short protein forms E147K.
Identifiers: ClinVar variation 2419012 (VCV002419012.4), dbSNP rs1208872129, ClinGen allele CA377152568.
Genomic context (GRCh38, chr10:71,829,014, plus strand): 5'-CCTCAGTCATGTCCAGCTCTGGGATCTTATTGGACTCCAGCTGCTTCTGGTGATTCAGCT[C>T]TGCTAGGTGCTTCTGGAGAGACTCGCAGAGGTTGAGAGCAGAGCACACCTCCCCAGGACG-3'
Protein context (NP_002769.1, residues 137-157): LCESLQKHLA[Glu147Lys]LNHQKQLESN